The following is an entry in ClinVar:

NM_004006.3(DMD):c.488G>T (p.Trp163Leu)

Gene: DMD (dystrophin; minus strand). Cytogenetic location: Xp21.1.
Variant type: single nucleotide variant.
Coding change: c.488G>T on transcript NM_004006.3 (MANE Select); coding-DNA position 488, G replaced by T.
Protein change: p.Trp163Leu; replaces tryptophan 163 with leucine.
Molecular consequence: missense variant.
Genome position (GRCh38, 1-based): chrX:32,816,510, C>A on the plus strand (G>T on the coding strand, the complement: DMD is on the minus strand). VCF-style: chrX-32816510-C-A. GRCh37 (hg19) VCF-style: chrX-32834627-C-A.
Other names: c.464G>T, p.Trp155Leu (NM_000109.4); c.476G>T, p.Trp159Leu (NM_004009.3); c.119G>T, p.Trp40Leu (NM_004010.3); short protein forms W155L, W159L, W163L, W40L.
Identifiers: ClinVar variation 3223655 (VCV003223655.3), dbSNP rs2077774135, ClinGen allele CA412674111.

ClinVar aggregate classification (germline): Uncertain significance. Review status: criteria provided, multiple submitters, no conflicts (2 of 4 stars). 2 submissions from 2 submitters: Uncertain significance (2). Last evaluated 2024-02-01.

Conditions:
Duchenne muscular dystrophy (DMD). Also called: MUSCULAR DYSTROPHY, PSEUDOHYPERTROPHIC PROGRESSIVE, DUCHENNE TYPE; Duchenne Muscular Dystrophy (DMD). Identifiers: Orphanet 98896, MedGen C0013264, MONDO:0010679, OMIM 310200.
Cardiovascular phenotype. Identifiers: MedGen CN230736.

Submissions (2):

Labcorp Genetics (formerly Invitae), Labcorp
Classification: Uncertain significance for Duchenne muscular dystrophy. Last evaluated: 2024-02-01. Review status: criteria provided, single submitter. Criteria: Invitae Variant Classification Sherloc (09022015). Collection method: clinical testing. Allele origin: germline.
Comment: This sequence change replaces tryptophan, which is neutral and slightly polar, with leucine, which is neutral and non-polar, at codon 163 of the DMD protein (p.Trp163Leu). This variant is not present in population databases (gnomAD no frequency). This variant has not been reported in the literature in individuals affected with DMD-related conditions. Advanced modeling of protein sequence and biophysical properties (such as structural, functional, and spatial information, amino acid conservation, physicochemical variation, residue mobility, and thermodynamic stability) performed at Invitae indicates that this missense variant is expected to disrupt DMD protein function with a positive predictive value of 95%. This variant disrupts the p.Trp163 amino acid residue in DMD. Other variant(s) that disrupt this residue have been observed in individuals with DMD-related conditions (PMID: 17726484, 27593222), which suggests that this may be a clinically significant amino acid residue. In summary, the available evidence is currently insufficient to determine the role of this variant in disease. Therefore, it has been classified as a Variant of Uncertain Significance.

Ambry Genetics
Classification: Uncertain significance for Cardiovascular phenotype. Last evaluated: 2023-09-15. Review status: criteria provided, single submitter. Criteria: Ambry Variant Classification Scheme 2023. Collection method: clinical testing. Allele origin: germline.
Comment: The p.W163L variant (also known as c.488G>T), located in coding exon 6 of the DMD gene, results from a G to T substitution at nucleotide position 488. The tryptophan at codon 163 is replaced by leucine, an amino acid with similar properties. This amino acid position is highly conserved in available vertebrate species. In addition, this alteration is predicted to be deleterious by in silico analysis. Since supporting evidence is limited at this time, the clinical significance of this alteration remains unclear.

Literature cited by the submitters: PubMed 17726484 (cited by Labcorp Genetics (formerly Invitae), Labcorp); PubMed 27593222 (cited by Labcorp Genetics (formerly Invitae), Labcorp).